The following is an entry in ClinVar:

NM_001130004.2(ACTN1):c.2291G>A (p.Gly764Asp)

Gene: ACTN1 (actinin alpha 1; minus strand). Cytogenetic location: 14q24.1.
Variant type: single nucleotide variant.
Coding change: c.2291G>A on transcript NM_001130004.2 (MANE Select); coding-DNA position 2291, G replaced by A.
Protein change: p.Gly764Asp; replaces glycine 764 with aspartic acid.
Molecular consequence: missense variant. On other transcripts: intron variant (8).
Genome position (GRCh38, 1-based): chr14:68,879,059, C>T on the plus strand (G>A on the coding strand, the complement: ACTN1 is on the minus strand). VCF-style: chr14-68879059-C-T. GRCh37 (hg19) VCF-style: chr14-69345776-C-T.
Other names: c.2291G>A, p.Gly764Asp (NM_001102.4, NM_001424012.1); c.2096G>A, p.Gly699Asp (NM_001411036.1, NM_001424026.1); c.2417G>A, p.Gly806Asp (NM_001424013.1); c.2378G>A, p.Gly793Asp (NM_001424015.1); c.2315G>A, p.Gly772Asp (NM_001424016.1); c.2288G>A, p.Gly763Asp (NM_001424017.1); c.2252G>A, p.Gly751Asp (NM_001424018.1); c.2108G>A, p.Gly703Asp (NM_001424019.1, NM_001424024.1, NM_001424025.1); and 10 more; short protein forms G489D, G699D, G703D, G741D, G743D, G751D, G763D, G764D.
Identifiers: ClinVar variation 3346746 (VCV003346746.1).

ClinVar aggregate classification (germline): Uncertain significance (0 of 4 stars; one submission).

Conditions:
ACTN1-related disorder. Also called: ACTN1-related condition.

Submission:

PreventionGenetics, part of Exact Sciences
Classification: Uncertain significance for ACTN1-related condition. Last evaluated: 2024-09-10. Review status: no assertion criteria provided. Collection method: clinical testing. Allele origin: germline.
Comment: The ACTN1 c.2291G>A variant is predicted to result in the amino acid substitution p.Gly764Asp. To our knowledge, this variant has not been reported in the literature or in a large population database, indicating this variant is rare. The p.Gly764 residue is highly conserved in the calmodulin-like domain (CaM). Of note, a different substitution at the same codon, defined as c.2290G>A (p.Gly764Ser), was reported in an individual with thrombocytopenias. Immunofluorescence analysis in human fibroblasts showed that in cells expressing mutants including p.Gly764Ser, ACTN1 was distributed uniformly within the cytoplasm and ACTN1 was not colocalized with actin in filaments (Bottega et al. 2015. PubMed ID: 25361813). Although we suspect that the c.2291G>A (p.Gly764Asp) variant may be pathogenic, at this time, the clinical significance of this variant is uncertain due to the absence of conclusive functional and genetic evidence.